The following is an entry in ClinVar:

ClinVar aggregate classification (germline): Uncertain significance. Review status: criteria provided, multiple submitters, no conflicts (2 of 4 stars). 2 submissions from 2 submitters: Uncertain significance (2). Last evaluated 2025-08-14.

Conditions:
Hereditary cancer-predisposing syndrome. Also called: Tumor predisposition; Hereditary Cancer Syndrome; Hereditary neoplastic syndrome; Neoplastic Syndromes, Hereditary. Identifiers: Orphanet 140162, MedGen C0027672, MeSH D009386, MONDO:0015356.
Hereditary nonpolyposis colorectal neoplasms. Identifiers: MedGen C0009405, MeSH D003123.

Submissions (2):

Labcorp Genetics (formerly Invitae), Labcorp
Classification: Uncertain significance for Hereditary nonpolyposis colorectal neoplasms. Last evaluated: 2025-08-14. Review status: criteria provided, single submitter. Criteria: Invitae Variant Classification Sherloc (09022015). Collection method: clinical testing. Allele origin: germline.
Comment: This sequence change replaces arginine, which is basic and polar, with glycine, which is neutral and non-polar, at codon 961 of the MSH6 protein (p.Arg961Gly). This variant is not present in population databases (gnomAD no frequency). This variant has not been reported in the literature in individuals affected with MSH6-related conditions. ClinVar contains an entry for this variant (Variation ID: 2587355). Invitae Evidence Modeling of protein sequence and biophysical properties (such as structural, functional, and spatial information, amino acid conservation, physicochemical variation, residue mobility, and thermodynamic stability) indicates that this missense variant is not expected to disrupt MSH6 protein function with a negative predictive value of 95%. In summary, the available evidence is currently insufficient to determine the role of this variant in disease. Therefore, it has been classified as a Variant of Uncertain Significance.

Ambry Genetics
Classification: Uncertain significance for Hereditary cancer-predisposing syndrome. Last evaluated: 2023-08-31. Review status: criteria provided, single submitter. Criteria: Ambry Variant Classification Scheme 2023. Collection method: clinical testing. Allele origin: germline.
Comment: The p.R961G variant (also known as c.2881A>G), located in coding exon 4 of the MSH6 gene, results from an A to G substitution at nucleotide position 2881. The arginine at codon 961 is replaced by glycine, an amino acid with dissimilar properties. This amino acid position is not well conserved in available vertebrate species. In addition, this alteration is predicted to be deleterious by in silico analysis. Since supporting evidence is limited at this time, the clinical significance of this alteration remains unclear.

NM_000179.3(MSH6):c.2881A>G (p.Arg961Gly)

Gene: MSH6 (mutS homolog 6; plus strand). Cytogenetic location: 2p16.3.
Variant type: single nucleotide variant.
Coding change: c.2881A>G on transcript NM_000179.3 (MANE Select); coding-DNA position 2881, A replaced by G.
Protein change: p.Arg961Gly; replaces arginine 961 with glycine.
Molecular consequence: missense variant. On other transcripts: non-coding transcript variant (5), intron variant (2).
Genome position (GRCh38, 1-based): chr2:47,800,864, A>G. VCF-style: chr2-47800864-A-G. GRCh37 (hg19) VCF-style: chr2-48028003-A-G.
Other names: c.2491A>G, p.Arg831Gly (NM_001281492.2); c.1975A>G, p.Arg659Gly (NM_001281493.2, NM_001281494.2, NM_001406811.1 and 6 more transcripts); c.2977A>G, p.Arg993Gly (NM_001406795.1, NM_001406802.1); c.2881A>G, p.Arg961Gly (NM_001406796.1, NM_001406798.1, NM_001406800.1 and 2 more transcripts); c.2584A>G, p.Arg862Gly (NM_001406797.1, NM_001406801.1, NM_001406805.1 and 10 more transcripts); c.2356A>G, p.Arg786Gly (NM_001406799.1, NM_001406806.1, NM_001406807.1); c.2803A>G, p.Arg935Gly (NM_001406804.1); c.2887A>G, p.Arg963Gly (NM_001406813.1); and 4 more; short protein forms R276G, R862G, R905G, R786G, R935G, R961G, R993G, R659G.
Identifiers: ClinVar variation 2587355 (VCV002587355.3), dbSNP rs2104428582, ClinGen allele CA346756027.